The following is an entry in ClinVar:

NM_001197104.2(KMT2A):c.4434_4436del (p.Cys1479del)

Gene: KMT2A (lysine methyltransferase 2A; plus strand). Cytogenetic location: 11q23.3.
Variant type: Deletion.
Coding change: c.4434_4436del on transcript NM_001197104.2 (MANE Select); coding-DNA positions 4434 to 4436, 3 bases deleted (TTG; older notation c.4434_4436delTTG).
Protein change: p.Cys1479del; deletes cysteine 1479.
Molecular consequence: inframe deletion.
Genome position (GRCh38, 1-based): chr11:118,488,715-118,488,717, TTG deleted; deleting any 3 consecutive bases within chr11:118,488,714-118,488,717 gives the same sequence; the c. name uses the placement nearest the transcript's 3' end. VCF-style (leftmost placement, unchanged base first): chr11-118488713-CGTT-C. GRCh37 (hg19) VCF-style: chr11-118359428-CGTT-C.
Other names: c.4533_4535del, p.Cys1512del (NM_001412597.1); c.4434_4436del, p.Cys1479del (NM_005933.4); short protein forms C1479del, C1512del.
Identifiers: ClinVar variation 3344242 (VCV003344242.1).

ClinVar aggregate classification (germline): Uncertain significance (0 of 4 stars; one submission).

Conditions:
KMT2A-related disorder. Also called: KMT2A-related condition.

Submission:

PreventionGenetics, part of Exact Sciences
Classification: Uncertain significance for KMT2A-related condition. Last evaluated: 2024-05-02. Review status: no assertion criteria provided. Collection method: clinical testing. Allele origin: germline.
Comment: The KMT2A c.4434_4436delTTG variant is predicted to result in an in-frame deletion (p.Cys1479del). To our knowledge, this variant has not been reported in the literature or in a large population database, indicating this variant is rare. Deletion of neighboring codon p.Arg1478del has been observed in an individual with neurodevelopmental disorder (Table S1, Levy MA et al 2022. PubMed ID: 35904121). Although we suspect that this variant may be pathogenic, at this time, the clinical significance of this variant is uncertain due to the absence of conclusive functional and genetic evidence.